The following is an entry in ClinVar:

NM_018082.6(POLR3B):c.615-3T>C

Gene: POLR3B (RNA polymerase III subunit B; plus strand). Cytogenetic location: 12q23.3.
Variant type: single nucleotide variant.
Coding change: c.615-3T>C on transcript NM_018082.6 (MANE Select); 3 bases into the intron before coding-DNA position 615, T replaced by C.
Molecular consequence: intron variant.
Genome position (GRCh38, 1-based): chr12:106,380,028, T>C. VCF-style: chr12-106380028-T-C. GRCh37 (hg19) VCF-style: chr12-106773806-T-C.
Other names: c.441-3T>C (NM_001160708.2).
Identifiers: ClinVar variation 884048 (VCV000884048.10), dbSNP rs368511518, ClinGen allele CA6761751.

ClinVar aggregate classification (germline): Uncertain significance. Review status: criteria provided, multiple submitters, no conflicts (2 of 4 stars). 4 submissions from 4 submitters: Uncertain significance (4). Last evaluated 2024-09-12.

Conditions:
Inborn genetic diseases. Identifiers: MedGen C0950123, MeSH D030342.
Leukodystrophy, hypomyelinating, 8, with or without oligodontia and/or hypogonadotropic hypogonadism. Also called: Endosteal sclerosis-cerebellar hypoplasia syndrome; Hypomyelinating leukodystrophy 8 with or without oligodontia and-or hypogonadotropic hypogonadism; LEUKODYSTROPHY, HYPOMYELINATING, 8, WITH HYPODONTIA AND HYPOGONADOTROPIC HYPOGONADISM. Identifiers: Orphanet 85186, Orphanet 88637, MedGen C3280644, MONDO:0013722, OMIM 614381.

Allele frequency attached by ClinVar (database versions not stated): gnomAD 0.00009 and 0.00010; ExAC 0.00010; ESP Exome Variant Server 0.00023; TOPMed 0.00010; gnomAD exomes 0.00012.
gnomAD v4.1: 186 of 1,595,440 alleles (0.012%); highest among the groups gnomAD compares: Middle Eastern, 0.066%; no homozygotes.

Submissions (4):

Labcorp Genetics (formerly Invitae), Labcorp
Classification: Uncertain significance. Last evaluated: 2024-09-12. Review status: criteria provided, single submitter. Criteria: Invitae Variant Classification Sherloc (09022015). Collection method: clinical testing. Allele origin: germline.
Comment: This sequence change falls in intron 8 of the POLR3B gene. It does not directly change the encoded amino acid sequence of the POLR3B protein. It affects a nucleotide within the consensus splice site. This variant is present in population databases (rs368511518, gnomAD 0.04%). This variant has not been reported in the literature in individuals affected with POLR3B-related conditions. ClinVar contains an entry for this variant (Variation ID: 884048). Variants that disrupt the consensus splice site are a relatively common cause of aberrant splicing (PMID: 17576681, 9536098). Algorithms developed to predict the effect of sequence changes on RNA splicing suggest that this variant is not likely to affect RNA splicing. In summary, the available evidence is currently insufficient to determine the role of this variant in disease. Therefore, it has been classified as a Variant of Uncertain Significance.

Ambry Genetics
Classification: Uncertain significance for Inborn genetic diseases. Last evaluated: 2022-03-11. Review status: criteria provided, single submitter. Criteria: Ambry Variant Classification Scheme 2023. Collection method: clinical testing. Allele origin: germline.
Comment: The c.615-3T>C intronic alteration consists of a T to C substitution 3 nucleotides before exon 9 of the POLR3B gene. Based on insufficient or conflicting evidence, the clinical significance of this alteration remains unclear.

Illumina Laboratory Services, Illumina
Classification: Uncertain significance for Leukodystrophy, hypomyelinating, 8, with or without oligodontia and/or hypogonadotropic hypogonadism. Last evaluated: 2018-01-13. Review status: criteria provided, single submitter. Criteria: ICSL Variant Classification Criteria 13 December 2019. Collection method: clinical testing. Allele origin: germline.

Breakthrough Genomics
Classification: Uncertain significance. Review status: criteria provided, single submitter. Criteria: ACMG Guidelines, 2015. Collection method: not provided. Allele origin: germline. Inheritance: Autosomal recessive inheritance. Affected: yes.

Literature cited by the submitters: PubMed 17576681 (cited by Labcorp Genetics (formerly Invitae), Labcorp); PubMed 9536098 (cited by Labcorp Genetics (formerly Invitae), Labcorp).